The following is an entry in ClinVar:

ClinVar aggregate classification (germline): Uncertain significance. Review status: criteria provided, multiple submitters, no conflicts (2 of 4 stars). 2 submissions from 2 submitters: Uncertain significance (2). Last evaluated 2025-10-07.

Allele frequency attached by ClinVar (database versions not stated): gnomAD 0.00001; TOPMed 0.00002.
gnomAD v4.1: 1 of 1,613,844 alleles (0.000062%); highest among the groups gnomAD compares: African/African-American, 0.0013%; no homozygotes.

Submissions (2):

Labcorp Genetics (formerly Invitae), Labcorp
Classification: Uncertain significance. Last evaluated: 2025-10-07. Review status: criteria provided, single submitter. Criteria: Invitae Variant Classification Sherloc (09022015). Collection method: clinical testing. Allele origin: germline.
Comment: This sequence change replaces histidine, which is basic and polar, with arginine, which is basic and polar, at codon 631 of the OPA1 protein (p.His631Arg). This variant is not present in population databases (gnomAD no frequency). This variant has not been reported in the literature in individuals affected with OPA1-related conditions. ClinVar contains an entry for this variant (Variation ID: 2446084). Invitae Evidence Modeling of protein sequence and biophysical properties (such as structural, functional, and spatial information, amino acid conservation, physicochemical variation, residue mobility, and thermodynamic stability) indicates that this missense variant is not expected to disrupt OPA1 protein function with a negative predictive value of 80%. In summary, the available evidence is currently insufficient to determine the role of this variant in disease. Therefore, it has been classified as a Variant of Uncertain Significance.

GeneDx
Classification: Uncertain significance. Last evaluated: 2022-09-23. Review status: criteria provided, single submitter. Criteria: GeneDx Variant Classification Process June 2021. Collection method: clinical testing. Allele origin: germline. Affected: yes.
Comment: Not observed at significant frequency in large population cohorts (gnomAD); In silico analysis supports that this missense variant has a deleterious effect on protein structure/function; Has not been previously published as pathogenic or benign to our knowledge

NM_130837.3(OPA1):c.2057A>G (p.His686Arg)

Gene: OPA1 (OPA1 mitochondrial dynamin like GTPase; plus strand). Cytogenetic location: 3q29.
Variant type: single nucleotide variant.
Coding change: c.2057A>G on transcript NM_130837.3 (MANE Select); coding-DNA position 2057, A replaced by G.
Protein change: p.His686Arg; replaces histidine 686 with arginine.
Molecular consequence: missense variant.
Genome position (GRCh38, 1-based): chr3:193,654,906, A>G. VCF-style: chr3-193654906-A-G. GRCh37 (hg19) VCF-style: chr3-193372695-A-G.
Other names: c.1892A>G, p.His631Arg (NM_015560.3); c.1784A>G, p.His595Arg (NM_130831.3); c.1838A>G, p.His613Arg (NM_130832.3); c.1895A>G, p.His632Arg (NM_130833.3); c.1946A>G, p.His649Arg (NM_130834.3); c.1949A>G, p.His650Arg (NM_130835.3); c.2003A>G, p.His668Arg (NM_130836.3); c.1523A>G, p.His508Arg (NM_001354663.2); and 1 more; short protein forms H507R, H508R, H595R, H613R, H631R, H632R, H649R, H650R.
Identifiers: ClinVar variation 2446084 (VCV002446084.4), dbSNP rs923926484, ClinGen allele CA90542520.